The following is an entry in ClinVar:

NM_003924.4(PHOX2B):c.609C>A (p.Asn203Lys)

Gene: PHOX2B (paired like homeobox 2B; minus strand). Cytogenetic location: 4p13.
Variant type: single nucleotide variant.
Coding change: c.609C>A on transcript NM_003924.4 (MANE Select); coding-DNA position 609, C replaced by A.
Protein change: p.Asn203Lys; replaces asparagine 203 with lysine.
Molecular consequence: missense variant.
Genome position (GRCh38, 1-based): chr4:41,746,143, G>T on the plus strand (C>A on the coding strand, the complement: PHOX2B is on the minus strand). VCF-style: chr4-41746143-G-T. GRCh37 (hg19) VCF-style: chr4-41748160-G-T.
Other names: short protein forms N203K.
Identifiers: ClinVar variation 1751556 (VCV001751556.2), dbSNP rs2552096862, ClinGen allele CA356737753.

ClinVar aggregate classification (germline): Uncertain significance (1 of 4 stars; one submission).

Conditions:
Hereditary cancer-predisposing syndrome. Also called: Hereditary Cancer Syndrome; Hereditary neoplastic syndrome; Neoplastic Syndromes, Hereditary; Tumor predisposition. Identifiers: Orphanet 140162, MedGen C0027672, MeSH D009386, MONDO:0015356.

Submission:

Ambry Genetics
Classification: Uncertain significance for Hereditary cancer-predisposing syndrome. Last evaluated: 2022-07-17. Review status: criteria provided, single submitter. Criteria: Ambry Variant Classification Scheme 2023. Collection method: clinical testing. Allele origin: germline.
Comment: The p.N203K variant (also known as c.609C>A), located in coding exon 3 of the PHOX2B gene, results from a C to A substitution at nucleotide position 609. The asparagine at codon 203 is replaced by lysine, an amino acid with similar properties. This amino acid position is conserved. In addition, this alteration is predicted to be tolerated by in silico analysis. Since supporting evidence is limited at this time, the clinical significance of this alteration remains unclear.